The following is an entry in ClinVar:

ClinVar aggregate classification (germline): Uncertain significance. Review status: criteria provided, multiple submitters, no conflicts (2 of 4 stars). 2 submissions from 2 submitters: Uncertain significance (2). Last evaluated 2022-06-05.

Conditions:
Hydrocephalus, nonsyndromic, autosomal recessive 2. Also called: Hydrocephalus, congenital, 2, with or without brain or eye anomalies. Identifiers: Orphanet 2185, MedGen C3554691, MONDO:0014085, OMIM 615219.

Allele frequency attached by ClinVar (database versions not stated): gnomAD exomes 0.00001; TOPMed 0.00001; gnomAD 0.00003; ESP Exome Variant Server 0.00008.
gnomAD v4.1: 23 of 1,606,464 alleles (0.0014%); highest among the groups gnomAD compares: East Asian, 0.0089%; no homozygotes.

Submissions (2):

Labcorp Genetics (formerly Invitae), Labcorp
Classification: Uncertain significance. Last evaluated: 2022-06-05. Review status: criteria provided, single submitter. Criteria: Invitae Variant Classification Sherloc (09022015). Collection method: clinical testing. Allele origin: germline.
Comment: This sequence change falls in intron 26 of the MPDZ gene. It does not directly change the encoded amino acid sequence of the MPDZ protein. It affects a nucleotide within the consensus splice site. This variant is present in population databases (rs368808895, gnomAD 0.02%). This variant has not been reported in the literature in individuals affected with MPDZ-related conditions. ClinVar contains an entry for this variant (Variation ID: 638490). Variants that disrupt the consensus splice site are a relatively common cause of aberrant splicing (PMID: 17576681, 9536098). Algorithms developed to predict the effect of sequence changes on RNA splicing suggest that this variant is not likely to affect RNA splicing. In summary, the available evidence is currently insufficient to determine the role of this variant in disease. Therefore, it has been classified as a Variant of Uncertain Significance.

Genomic Research Center, Shahid Beheshti University of Medical Sciences
Classification: Uncertain significance for Hydrocephalus, congenital, 2, with or without brain or eye anomalies. Last evaluated: 2019-04-27. Review status: criteria provided, single submitter. Criteria: ACMG Guidelines, 2015. Collection method: clinical testing. Allele origin: inherited. Affected: yes.

Literature cited by the submitters: PubMed 17576681 (cited by Labcorp Genetics (formerly Invitae), Labcorp); PubMed 9536098 (cited by Labcorp Genetics (formerly Invitae), Labcorp).

NM_001378778.1(MPDZ):c.3741+6C>T

Gene: MPDZ (multiple PDZ domain crumbs cell polarity complex component; minus strand). Cytogenetic location: 9p23.
Variant type: single nucleotide variant.
Coding change: c.3741+6C>T on transcript NM_001378778.1 (MANE Select); 6 bases into the intron after coding-DNA position 3741, C replaced by T.
Molecular consequence: intron variant.
Genome position (GRCh38, 1-based): chr9:13,147,542, G>A on the plus strand (C>T on the coding strand, the complement: MPDZ is on the minus strand). VCF-style: chr9-13147542-G-A. GRCh37 (hg19) VCF-style: chr9-13147541-G-A.
Other names: c.3630+2969C>T (NM_001375425.1, NM_001375420.1, NM_001375423.1 and 4 more transcripts); c.3741+6C>T (NM_001375419.1, NM_001375416.1, NM_001330637.2 and 6 more transcripts); c.3432+2969C>T (NM_001375427.1).
Identifiers: ClinVar variation 638490 (VCV000638490.8), dbSNP rs368808895, ClinGen allele CA189307276.